The following is an entry in ClinVar:

NM_001110556.2(FLNA):c.2570C>T (p.Thr857Met)

Gene: FLNA (filamin A; minus strand). Cytogenetic location: Xq28.
Variant type: single nucleotide variant.
Coding change: c.2570C>T on transcript NM_001110556.2 (MANE Select); coding-DNA position 2570, C replaced by T.
Protein change: p.Thr857Met; replaces threonine 857 with methionine.
Molecular consequence: missense variant.
Genome position (GRCh38, 1-based): chrX:154,362,328, G>A on the plus strand (C>T on the coding strand, the complement: FLNA is on the minus strand). VCF-style: chrX-154362328-G-A. GRCh37 (hg19) VCF-style: chrX-153590696-G-A.
Other names: c.2570C>T, p.Thr857Met (NM_001456.4); c.2570C>T (NM_001456.3); short protein forms T857M.
Identifiers: ClinVar variation 1516255 (VCV001516255.7), dbSNP rs1488268931, ClinGen allele CA415235462.
Genomic context (GRCh38, chrX:154,362,328, plus strand): 5'-GCCTTCACCTTACTGGCGTCATGAGAGGGCTCCACCTTGACTCGGATGGGGCTGGTGGGC[G>A]TGGCCTGCAGGCAGTGGGAGGAGAAGGCCTTAGAGGAGGGCAGACGTCATCCGCAATGAC-3'
Protein context (NP_001104026.1, residues 847-867): TIMVLFADQA[Thr857Met]PTSPIRVKVE

ClinVar aggregate classification (germline): Conflicting classifications of pathogenicity. Review status: criteria provided, conflicting classifications (1 of 4 stars). 2 submissions from 2 submitters: Uncertain significance (1); Likely benign (1). Last evaluated 2025-02-04.

Conditions:
Heterotopia, periventricular, X-linked dominant (PVNH1). Also called: PERIVENTRICULAR NODULAR HETEROTOPIA 1; X-linked periventricular heterotopia; PERIVENTRICULAR NODULAR HETEROTOPIA 4; HETEROTOPIA, PERIVENTRICULAR, 1. Identifiers: Orphanet 2149, Orphanet 82004, MedGen C1848213, MONDO:0010233, OMIM 300049.
Melnick-Needles syndrome (MNS). Also called: Melnick-Needles Syndrome (FLNA-MNS); MELNICK-NEEDLES OSTEODYSPLASTY; OSTEODYSPLASTY OF MELNICK AND NEEDLES. Identifiers: Orphanet 2484, MedGen C0025237, MONDO:0010650, OMIM 309350.
Frontometaphyseal dysplasia (FMD1). Identifiers: Orphanet 1826, MedGen C0265293, MONDO:0015942.
Oto-palato-digital syndrome, type II (OPD2). Also called: Otopalatodigital Syndrome Type 2 (FLNA-OPD2); FACIOPALATOOSSEOUS SYNDROME; OPD II SYNDROME; Otopalatodigital Syndrome, Type II. Identifiers: Orphanet 669, Orphanet 90652, MedGen C1844696, MONDO:0010571, OMIM 304120.
Familial thoracic aortic aneurysm and aortic dissection (TAAD). Also called: Thoracic aortic aneurysms and dissections. Identifiers: Orphanet 91387, MedGen C4707243, MONDO:0019625.

Allele frequency attached by ClinVar (database versions not stated): gnomAD 0.00001; TOPMed 0.00002.
gnomAD v4.1: 5 of 1,208,917 alleles (0.00041%); highest among the groups gnomAD compares: Non-Finnish European, 0.00056%; no homozygotes.

Submissions (2):

Ambry Genetics
Classification: Uncertain significance for Familial thoracic aortic aneurysm and aortic dissection. Last evaluated: 2025-02-04. Review status: criteria provided, single submitter. Criteria: Ambry Variant Classification Scheme 2023. Collection method: clinical testing. Allele origin: germline.
Comment: The p.T857M variant (also known as c.2570C>T), located in coding exon 17 of the FLNA gene, results from a C to T substitution at nucleotide position 2570. The threonine at codon 857 is replaced by methionine, an amino acid with similar properties. This amino acid position is not well conserved in available vertebrate species. In addition, this alteration is predicted to be tolerated by in silico analysis. Based on data from gnomAD, the T allele has an overall frequency of 0.0046% (1/21779) total alleles studied, with 1 hemizygote(s) observed. The highest observed frequency was 0.0093% (1/10696) of European (non-Finnish) alleles. Based on the available evidence, the clinical significance of this variant remains unclear.

Labcorp Genetics (formerly Invitae), Labcorp
Classification: Likely benign for Oto-palato-digital syndrome, type II; Heterotopia, periventricular, X-linked dominant; Frontometaphyseal dysplasia; Melnick-Needles syndrome. Last evaluated: 2025-01-01. Review status: criteria provided, single submitter. Criteria: Invitae Variant Classification Sherloc (09022015). Collection method: clinical testing. Allele origin: germline.